The following is an entry in ClinVar:

NM_004304.5(ALK):c.3101C>A (p.Ser1034Ter)

Gene: ALK (ALK receptor tyrosine kinase; minus strand). Cytogenetic location: 2p23.2.
Variant type: single nucleotide variant.
Coding change: c.3101C>A on transcript NM_004304.5 (MANE Select); coding-DNA position 3101, C replaced by A.
Protein change: p.Ser1034Ter; replaces serine 1034 with a stop codon.
Molecular consequence: nonsense.
Genome position (GRCh38, 1-based): chr2:29,225,532, G>T on the plus strand (C>A on the coding strand, the complement: ALK is on the minus strand). VCF-style: chr2-29225532-G-T. GRCh37 (hg19) VCF-style: chr2-29448398-G-T.
Other names: short protein forms S1034*.
Identifiers: ClinVar variation 1434320 (VCV001434320.6), dbSNP rs900240239, ClinGen allele CA346466992.

ClinVar aggregate classification (germline): Uncertain significance (1 of 4 stars; one submission).

Conditions:
Neuroblastoma, susceptibility to, 3. Also called: ALK-Related Neuroblastic Tumor Susceptibility. Identifiers: Orphanet 635, MedGen C2751681, MONDO:0013083, OMIM 613014.

Submission:

Labcorp Genetics (formerly Invitae), Labcorp
Classification: Uncertain significance for Neuroblastoma, susceptibility to, 3. Last evaluated: 2022-02-24. Review status: criteria provided, single submitter. Criteria: Invitae Variant Classification Sherloc (09022015). Collection method: clinical testing. Allele origin: germline.
Comment: In summary, the available evidence is currently insufficient to determine the role of this variant in disease. Therefore, it has been classified as a Variant of Uncertain Significance. Algorithms developed to predict the effect of sequence changes on RNA splicing suggest that this variant may create or strengthen a splice site. This variant has not been reported in the literature in individuals affected with ALK-related conditions. This variant is not present in population databases (gnomAD no frequency). This sequence change creates a premature translational stop signal (p.Ser1034*) in the ALK gene. It is expected to result in an absent or disrupted protein product. However, the current clinical and genetic evidence is not sufficient to establish whether loss-of-function variants in ALK cause disease.